The following is an entry in ClinVar:

NM_001080495.3(TNRC18):c.3570C>T (p.Pro1190=)

Gene: TNRC18 (trinucleotide repeat containing 18; minus strand). Cytogenetic location: 7p22.1.
Variant type: single nucleotide variant.
Coding change: c.3570C>T on transcript NM_001080495.3 (MANE Select); coding-DNA position 3570, C replaced by T.
Protein change: p.Pro1190=; no amino-acid change (proline 1190 retained).
Molecular consequence: synonymous variant.
Genome position (GRCh38, 1-based): chr7:5,371,024, G>A on the plus strand (C>T on the coding strand, the complement: TNRC18 is on the minus strand). VCF-style: chr7-5371024-G-A. GRCh37 (hg19) VCF-style: chr7-5410655-G-A.
Identifiers: ClinVar variation 2657279 (VCV002657279.24), dbSNP rs1255593635, ClinGen allele CA453636559.

ClinVar aggregate classification (germline): Likely benign (1 of 4 stars; one submission).

Allele frequency attached by ClinVar (database versions not stated): TOPMed below 0.00001; gnomAD 0.00001.
gnomAD v4.1: 3 of 1,609,118 alleles (0.00019%); highest among the groups gnomAD compares: African/African-American, 0.0013%; no homozygotes.

Submission:

CeGaT Center for Human Genetics Tuebingen
Classification: Likely benign. Last evaluated: 2022-03-01. Review status: criteria provided, single submitter. Criteria: CeGaT Center For Human Genetics Tuebingen Variant Classification Criteria Version 2. Collection method: clinical testing. Allele origin: germline. Affected: yes. Observed: 1 variant allele.
Comment: TNRC18: BP4, BP7